The following is an entry in ClinVar:

NM_024664.4(PPCS):c.520A>G (p.Met174Val)

Genes: CCDC30 (coiled-coil domain containing 30; plus strand), PPCS (phosphopantothenoylcysteine synthetase; plus strand). Cytogenetic location: 1p34.2.
Variant type: single nucleotide variant.
Coding change: c.520A>G on transcript NM_024664.4 (MANE Select); coding-DNA position 520, A replaced by G.
Protein change: p.Met174Val; replaces methionine 174 with valine.
Molecular consequence: missense variant. On other transcripts: initiator codon variant (5), 5 prime UTR variant (2).
Genome position (GRCh38, 1-based): chr1:42,457,258, A>G. VCF-style: chr1-42457258-A-G. GRCh37 (hg19) VCF-style: chr1-42922929-A-G.
Other names: c.1A>G, p.Met1Val (NM_001077447.3, NM_001287506.1, NM_001287508.2 and 2 more transcripts); c.-316A>G (NM_001287507.1); c.520A>G, p.Met174Val (NM_001287511.2); c.-972A>G (NM_001355226.2); short protein forms M174V, M1V.
Identifiers: ClinVar variation 1380932 (VCV001380932.9), dbSNP rs2148416806, ClinGen allele CA339947500.

ClinVar aggregate classification (germline): Uncertain significance (1 of 4 stars; one submission).

gnomAD v4.1: 3 of 1,614,128 alleles (0.00019%); highest among the groups gnomAD compares: Non-Finnish European, 0.00025%; no homozygotes.

Submission:

Labcorp Genetics (formerly Invitae), Labcorp
Classification: Uncertain significance. Last evaluated: 2021-03-23. Review status: criteria provided, single submitter. Criteria: Invitae Variant Classification Sherloc (09022015). Collection method: clinical testing. Allele origin: germline.
Comment: In summary, the available evidence is currently insufficient to determine the role of this variant in disease. Therefore, it has been classified as a Variant of Uncertain Significance. Algorithms developed to predict the effect of missense changes on protein structure and function are either unavailable or do not agree on the potential impact of this missense change (SIFT: "Tolerated"; PolyPhen-2: "Probably Damaging"; Align-GVGD: "Class C0"). This variant has not been reported in the literature in individuals with PPCS-related conditions. This variant is not present in population databases (ExAC no frequency). This sequence change replaces methionine with valine at codon 174 of the PPCS protein (p.Met174Val). The methionine residue is moderately conserved and there is a small physicochemical difference between methionine and valine.